The following is an entry in ClinVar:

NM_003000.3(SDHB):c.201-18G>T

Gene: SDHB (succinate dehydrogenase complex iron sulfur subunit B; minus strand). Cytogenetic location: 1p36.13.
Variant type: single nucleotide variant.
Coding change: c.201-18G>T on transcript NM_003000.3 (MANE Select); 18 bases into the intron before coding-DNA position 201, G replaced by T.
Molecular consequence: intron variant.
Genome position (GRCh38, 1-based): chr1:17,033,163, C>A on the plus strand (G>T on the coding strand, the complement: SDHB is on the minus strand). VCF-style: chr1-17033163-C-A. GRCh37 (hg19) VCF-style: chr1-17359658-C-A.
Identifiers: ClinVar variation 1591812 (VCV001591812.19), dbSNP rs765108144, ClinGen allele CA089536.

ClinVar aggregate classification (germline): Likely benign. Review status: criteria provided, multiple submitters, no conflicts (2 of 4 stars). 3 submissions from 3 submitters: Likely benign (3). Last evaluated 2025-03-26.

Conditions:
Pheochromocytoma/paraganglioma syndrome 4. Also called: CAROTID BODY TUMORS AND MULTIPLE EXTRAADRENAL PHEOCHROMOCYTOMAS; SDHB-Related Hereditary Paraganglioma-Pheochromocytoma Syndrome; PARAGANGLIOMA, FAMILIAL MALIGNANT; PARAGANGLIOMAS, HEREDITARY EXTRAADRENAL; PHEOCHROMOCYTOMA, FAMILIAL EXTRAADRENAL; Paragangliomas 4. Identifiers: Orphanet 29072, MedGen C1861848, MONDO:0007273, OMIM 115310.
Gastrointestinal stromal tumor. Also called: Gastrointestinal stromal tumor, somatic; Gastrointestinal stroma tumor. Identifiers: Orphanet 44890, MedGen C0238198, MeSH D046152, MONDO:0011719, OMIM 606764, HP:0100723.
Pheochromocytoma. Also called: MAX-Related Hereditary Paraganglioma-Pheochromocytoma Syndrome. Identifiers: Orphanet 29072, MedGen C0031511, MONDO:0008233, OMIM 171300, HP:0002666.

Allele frequency attached by ClinVar (database versions not stated): gnomAD exomes below 0.00001; TOPMed below 0.00001; ExAC 0.00001.

Submissions (3):

Labcorp Genetics (formerly Invitae), Labcorp
Classification: Likely benign for Gastrointestinal stromal tumor; Pheochromocytoma/paraganglioma syndrome 4; Pheochromocytoma. Last evaluated: 2025-03-26. Review status: criteria provided, single submitter. Criteria: Invitae Variant Classification Sherloc (09022015). Collection method: clinical testing. Allele origin: germline.

Myriad Genetics, Inc.
Classification: Likely benign for Pheochromocytoma/paraganglioma syndrome 4. Last evaluated: 2025-03-12. Review status: criteria provided, single submitter. Criteria: Myriad Autosomal Dominant, Autosomal Recessive and X-Linked Classification Criteria (2023). Collection method: clinical testing. Allele origin: unknown.
Comment: This variant is considered likely benign. This variant is intronic and is not expected to impact mRNA splicing.

Blueprint Genetics
Classification: Likely benign. Last evaluated: 2021-11-10. Review status: criteria provided, single submitter. Criteria: ACMG Guidelines, 2015. Collection method: clinical testing. Allele origin: germline.